The following is an entry in ClinVar:

ClinVar aggregate classification (germline): Uncertain significance. Review status: criteria provided, multiple submitters, no conflicts (2 of 4 stars). 4 submissions from 4 submitters: Uncertain significance (3). 1 of the submissions does not count toward it. Last evaluated 2025-01-13.

Conditions:
Retinal dystrophy. Also called: Inherited retinal dystrophy. Identifiers: Orphanet 71862, MedGen C0854723, MeSH D058499, MONDO:0019118, HP:0000556.

Allele frequency attached by ClinVar (database versions not stated): ESP Exome Variant Server 0.00008; ExAC 0.00002; gnomAD exomes 0.00002; TOPMed 0.00002.
gnomAD v4.1: 34 of 1,612,488 alleles (0.0021%); highest among the groups gnomAD compares: Non-Finnish European, 0.0025%; no homozygotes.

Submissions (4):

Labcorp Genetics (formerly Invitae), Labcorp
Classification: Uncertain significance. Last evaluated: 2025-01-13. Review status: criteria provided, single submitter. Criteria: Invitae Variant Classification Sherloc (09022015). Collection method: clinical testing. Allele origin: germline.
Comment: This sequence change replaces isoleucine, which is neutral and non-polar, with valine, which is neutral and non-polar, at codon 123 of the SCLT1 protein (p.Ile123Val). This variant is present in population databases (rs147766080, gnomAD 0.003%). This variant has not been reported in the literature in individuals affected with SCLT1-related conditions. ClinVar contains an entry for this variant (Variation ID: 1508120). An algorithm developed to predict the effect of missense changes on protein structure and function outputs the following: PolyPhen-2: "Benign". The valine amino acid residue is found in multiple mammalian species, which suggests that this missense change does not adversely affect protein function. In summary, the available evidence is currently insufficient to determine the role of this variant in disease. Therefore, it has been classified as a Variant of Uncertain Significance.

CeGaT Center for Human Genetics Tuebingen
Classification: Uncertain significance. Last evaluated: 2023-09-01. Review status: criteria provided, single submitter. Criteria: CeGaT Center For Human Genetics Tuebingen Variant Classification Criteria Version 2. Collection method: clinical testing. Allele origin: germline. Affected: yes. Observed: 1 variant allele.
Comment: SCLT1: PM2, BP4

Ambry Genetics
Classification: Uncertain significance. Last evaluated: 2021-07-20. Review status: criteria provided, single submitter. Criteria: Ambry Variant Classification Scheme 2023. Collection method: clinical testing. Allele origin: germline.

Institute of Human Genetics, Univ. Regensburg, Univ. Regensburg
Classification: Uncertain significance for Retinal dystrophy. Last evaluated: 2023-01-01. Review status: no assertion criteria provided. Criteria: ACMG Guidelines, 2015. Collection method: clinical testing. Allele origin: germline. Affected: yes. Not counted in ClinVar's aggregate classification.

NM_144643.4(SCLT1):c.367A>G (p.Ile123Val)

Gene: SCLT1 (sodium channel and clathrin linker 1; minus strand). Cytogenetic location: 4q28.2.
Variant type: single nucleotide variant.
Coding change: c.367A>G on transcript NM_144643.4 (MANE Select); coding-DNA position 367, A replaced by G.
Protein change: p.Ile123Val; replaces isoleucine 123 with valine.
Molecular consequence: missense variant.
Genome position (GRCh38, 1-based): chr4:129,003,800, T>C on the plus strand (A>G on the coding strand, the complement: SCLT1 is on the minus strand). VCF-style: chr4-129003800-T-C. GRCh37 (hg19) VCF-style: chr4-129924955-T-C.
Other names: c.367A>G (NM_144643.2); short protein forms I123V.
Identifiers: ClinVar variation 1508120 (VCV001508120.29), dbSNP rs147766080, ClinGen allele CA3079974.